The following is an entry in ClinVar:

ClinVar aggregate classification (germline): Pathogenic (1 of 4 stars; one submission).

Submission:

Labcorp Genetics (formerly Invitae), Labcorp
Classification: Pathogenic. Last evaluated: 2023-10-03. Review status: criteria provided, single submitter. Criteria: Invitae Variant Classification Sherloc (09022015). Collection method: clinical testing. Allele origin: germline.
Comment: This sequence change creates a premature translational stop signal (p.Ile582Thrfs*14) in the MMP2 gene. It is expected to result in an absent or disrupted protein product. Loss-of-function variants in MMP2 are known to be pathogenic (PMID: 26601801). This variant is not present in population databases (gnomAD no frequency). This variant has not been reported in the literature in individuals affected with MMP2-related conditions. ClinVar contains an entry for this variant (Variation ID: 2031305). For these reasons, this variant has been classified as Pathogenic.

Literature cited by the submitters: PubMed 26601801.

NM_004530.6(MMP2):c.1743_1744dup (p.Ile582fs)

Gene: MMP2 (matrix metallopeptidase 2; plus strand). Cytogenetic location: 16q12.2.
Variant type: Duplication.
Coding change: c.1743_1744dup on transcript NM_004530.6 (MANE Select); coding-DNA positions 1743 to 1744, 2 bases duplicated (CA; older notation c.1743_1744dupCA).
Protein change: p.Ile582fs; shifts the reading frame from isoleucine 582.
Molecular consequence: frameshift variant.
Genome position (GRCh38, 1-based): chr16:55,498,422-55,498,423, CA duplicated; duplicating any 2 consecutive bases within chr16:55,498,421-55,498,423 gives the same sequence; the c. name uses the placement nearest the transcript's 3' end. VCF-style (leftmost placement, unchanged base first): chr16-55498420-T-TAC. GRCh37 (hg19) VCF-style: chr16-55532332-T-TAC.
Other names: c.1593_1594dup, p.Ile532fs (NM_001127891.3); c.1515_1516dup, p.Ile506fs (NM_001302508.1, NM_001302509.2, NM_001302510.2); short protein forms I532fs, I582fs, I506fs.
Identifiers: ClinVar variation 2031305 (VCV002031305.4), dbSNP rs2543539243, ClinGen allele CA2580091624.
Genomic context (GRCh38, chr16:55,498,420, plus strand): 5'-CTGCCCCCTGATGTCCAGCGAGTGGATGCCGCCTTTAACTGGAGCAAAAACAAGAAGACA[T>TAC]ACATCTTTGCTGGAGACAAATTCTGGAGGTAAGGGAGGGCGGTGGGTAGGACAGCAGCAC-3'